The following is an entry in ClinVar:

NM_005251.3(FOXC2):c.1070C>T (p.Ala357Val)

Gene: FOXC2 (forkhead box C2; plus strand). Cytogenetic location: 16q24.1.
Variant type: single nucleotide variant.
Coding change: c.1070C>T on transcript NM_005251.3 (MANE Select); coding-DNA position 1070, C replaced by T.
Protein change: p.Ala357Val; replaces alanine 357 with valine.
Molecular consequence: missense variant.
Genome position (GRCh38, 1-based): chr16:86,568,405, C>T. VCF-style: chr16-86568405-C-T. GRCh37 (hg19) VCF-style: chr16-86602011-C-T.
Other names: short protein forms A357V.
Identifiers: ClinVar variation 4279782 (VCV004279782.1).

ClinVar aggregate classification (germline): Uncertain significance (1 of 4 stars; one submission).

Conditions:
Distichiasis-lymphedema syndrome. Also called: LYMPHEDEMA WITH DISTICHIASIS. Identifiers: Orphanet 33001, MedGen C0265345, MONDO:0007922, OMIM 153400.

gnomAD v4.1: 9 of 1,387,438 alleles (0.00065%); highest among the groups gnomAD compares: Admixed American, 0.0026%; no homozygotes.

Submission:

Clinical Genomics Laboratory, Washington University in St. Louis
Classification: Uncertain significance for Distichiasis-lymphedema syndrome. Last evaluated: 2025-05-20. Review status: criteria provided, single submitter. Criteria: ACMG Guidelines, 2015. Collection method: clinical testing. Allele origin: germline.
Comment: A FOXC2 c.1070C>T (p.Ala357Val) variant was identified at a near heterozygous allelic fraction of 49.6%, a frequency which may be consistent with it being of germline origin. This variant, to our knowledge, has not been reported in the medical literature. This variant is only observed on 9/1,387,438 alleles in the general population (gnomAD v4.1.0), indicating it is not a common variant. Computational predictors suggest that the variant does not impact FOXC2 function. Due to limited information, and based on ACMG/AMP guidelines for variant interpretation (Richards S et al., PMID: 25741868), the clinical significance of this variant is uncertain at this time.